The following is an entry in ClinVar:

ClinVar aggregate classification (germline): Likely benign. Review status: criteria provided, single submitter (1 of 4 stars). 2 submissions from 2 submitters: Likely benign (1). 1 of the submissions does not count toward it. Last evaluated 2026-01-28.

Conditions:
INF2-related disorder. Also called: INF2-related condition.
Charcot-Marie-Tooth disease dominant intermediate E. Also called: CHARCOT-MARIE-TOOTH NEUROPATHY WITH FOCAL SEGMENTAL GLOMERULONEPHRITIS. Identifiers: Orphanet 93114, MedGen C4302667, MONDO:0013758, OMIM 614455.
Focal segmental glomerulosclerosis 5 (FSGS5). Identifiers: Orphanet 656, MedGen C2750475, MONDO:0013191, OMIM 613237.

Allele frequency attached by ClinVar (database versions not stated): ExAC 0.00001; gnomAD 0.00001; gnomAD exomes 0.00001; TOPMed 0.00003; ESP Exome Variant Server 0.00008.
gnomAD v4.1: 6 of 1,606,470 alleles (0.00037%); highest among the groups gnomAD compares: Non-Finnish European, 0.00051%; no homozygotes.

Submissions (2):

Labcorp Genetics (formerly Invitae), Labcorp
Classification: Likely benign for Charcot-Marie-Tooth disease dominant intermediate E; Focal segmental glomerulosclerosis 5. Last evaluated: 2026-01-28. Review status: criteria provided, single submitter. Criteria: Invitae Variant Classification Sherloc (09022015). Collection method: clinical testing. Allele origin: germline.

PreventionGenetics, part of Exact Sciences
Classification: Likely benign for INF2-related condition. Last evaluated: 2022-04-29. Review status: no assertion criteria provided. Collection method: clinical testing. Allele origin: germline. Not counted in ClinVar's aggregate classification.
Comment: This variant is classified as likely benign based on ACMG/AMP sequence variant interpretation guidelines (Richards et al. 2015 PMID: 25741868, with internal and published modifications).

NM_022489.4(INF2):c.1605G>A (p.Glu535=)

Gene: INF2 (inverted formin 2; plus strand). Cytogenetic location: 14q32.33.
Variant type: single nucleotide variant.
Coding change: c.1605G>A on transcript NM_022489.4 (MANE Select); coding-DNA position 1605, G replaced by A.
Protein change: p.Glu535=; no amino-acid change (glutamic acid 535 retained).
Molecular consequence: synonymous variant.
Genome position (GRCh38, 1-based): chr14:104,707,872, G>A. VCF-style: chr14-104707872-G-A. GRCh37 (hg19) VCF-style: chr14-105174209-G-A.
Other names: c.1605G>A, p.Glu535= (NM_001031714.4).
Identifiers: ClinVar variation 707806 (VCV000707806.12), dbSNP rs374316478, ClinGen allele CA7372604.
Genomic context (GRCh38, chr14:104,707,872, plus strand): 5'-TCCACCCCCACCTCCACTACTGCCCTGCACCTGCAGCCCCCCCGTGGCGGGAGGCATGGA[G>A]GAGGTCATCGTGGCCCAGGTGGACCATGGCTTGGGCTCAGCATGGGTCCCCAGCCATCGG-3'
Protein context (NP_071934.3, residues 525-545): TCSPPVAGGM[Glu535=]EVIVAQVDHG